The following is an entry in ClinVar:

ClinVar aggregate classification (germline): Likely benign. Review status: criteria provided, multiple submitters, no conflicts (2 of 4 stars). 2 submissions from 2 submitters: Likely benign (2). Last evaluated 2025-09-29.

Conditions:
COL18A1-related disorder. Also called: COL18A1-related condition; COL18A1-related disorders.

gnomAD v4.1: 5 of 1,414,412 alleles (0.00035%); highest among the groups gnomAD compares: Admixed American, 0.0024%; no homozygotes.

Submissions (2):

PreventionGenetics, part of Exact Sciences
Classification: Likely benign for COL18A1-related condition. Last evaluated: 2025-09-29. Review status: criteria provided, single submitter. Criteria: ACMG Guidelines, 2015. Collection method: clinical testing. Allele origin: germline.
Comment: This variant is classified as likely benign based on ACMG/AMP sequence variant interpretation guidelines (Richards et al. 2015 PMID: 25741868, with internal and published modifications).

Labcorp Genetics (formerly Invitae), Labcorp
Classification: Likely benign. Last evaluated: 2025-03-11. Review status: criteria provided, single submitter. Criteria: Invitae Variant Classification Sherloc (09022015). Collection method: clinical testing. Allele origin: germline.

NM_001379500.1(COL18A1):c.2814C>A (p.Pro938=)

Genes: SLC19A1 (solute carrier family 19 member 1; minus strand), COL18A1 (collagen type XVIII alpha 1 chain; plus strand). Cytogenetic location: 21q22.3.
Variant type: single nucleotide variant.
Coding change: c.2814C>A on transcript NM_001379500.1 (MANE Select); coding-DNA position 2814, C replaced by A.
Protein change: p.Pro938=; no amino-acid change (proline 938 retained).
Molecular consequence: synonymous variant.
Genome position (GRCh38, 1-based): chr21:45,504,502, C>A. VCF-style: chr21-45504502-C-A. GRCh37 (hg19) VCF-style: chr21-46924416-C-A.
Other names: c.3354C>A, p.Pro1118= (NM_030582.4); c.4059C>A, p.Pro1353= (NM_130444.3); c.3354C>A (NM_030582.3).
Identifiers: ClinVar variation 1560563 (VCV001560563.9), dbSNP rs766026583, ClinGen allele CA512687160.